The following is an entry in ClinVar:

ClinVar aggregate classification (germline): Conflicting classifications of pathogenicity. Review status: criteria provided, conflicting classifications (1 of 4 stars). 7 submissions from 7 submitters: Uncertain significance (2); Likely benign (4). 1 of the submissions does not count toward it. Last evaluated 2025-11-25.

Conditions:
Hereditary cancer-predisposing syndrome. Also called: Neoplastic Syndromes, Hereditary; Hereditary neoplastic syndrome; Tumor predisposition; Hereditary Cancer Syndrome. Identifiers: Orphanet 140162, MedGen C0027672, MeSH D009386, MONDO:0015356.
Tuberous sclerosis syndrome (TSC). Also called: Tuberous Sclerosis Complex; Tuberous sclerosis. Identifiers: Orphanet 805, MedGen C0041341, MONDO:0001734.
Tuberous sclerosis 2 (TSC2). Identifiers: Orphanet 805, MedGen C1860707, MONDO:0013199, OMIM 613254.

Allele frequency attached by ClinVar (database versions not stated): gnomAD exomes 0.00001; gnomAD 0.00002; TOPMed 0.00002.
gnomAD v4.1: 18 of 1,612,680 alleles (0.0011%); highest among the groups gnomAD compares: East Asian, 0.0089%; no homozygotes.

Submissions (7):

Labcorp Genetics (formerly Invitae), Labcorp
Classification: Likely benign for Tuberous sclerosis 2. Last evaluated: 2025-11-25. Review status: criteria provided, single submitter. Criteria: Invitae Variant Classification Sherloc (09022015). Collection method: clinical testing. Allele origin: germline.

Color Diagnostics, LLC DBA Color Health
Classification: Uncertain significance for Tuberous sclerosis syndrome. Last evaluated: 2025-07-03. Review status: criteria provided, single submitter. Criteria: ACMG Guidelines, 2015. Collection method: clinical testing. Allele origin: germline.
Comment: This missense variant replaces aspartic acid with asparagine at codon 1612 of the TSC2 protein. Computational prediction suggests that this variant may have deleterious impact on protein structure and function. To our knowledge, functional studies have not been reported for this variant. This variant has not been reported in individuals affected with TSC2-related disorders in the literature. This variant has been identified in 5/279408 chromosomes in the general population by the Genome Aggregation Database (gnomAD). The available evidence is insufficient to determine the role of this variant in disease conclusively. Therefore, this variant is classified as a Variant of Uncertain Significance.

Myriad Genetics, Inc.
Classification: Likely benign for Tuberous sclerosis 2. Last evaluated: 2024-08-23. Review status: criteria provided, single submitter. Criteria: Myriad Autosomal Dominant, Autosomal Recessive and X-Linked Classification Criteria (2023). Collection method: clinical testing. Allele origin: unknown.
Comment: This variant is considered likely benign. This variant has been observed at a population frequency that is significantly greater than expected given the associated disease prevalence and penetrance.

All of Us Research Program, National Institutes of Health
Classification: Uncertain significance for Tuberous sclerosis syndrome. Last evaluated: 2023-05-04. Review status: criteria provided, single submitter. Criteria: ACMG Guidelines, 2015. Collection method: clinical testing. Allele origin: germline. Inheritance: Autosomal dominant inheritance. Observed: 1 variant allele, 1 heterozygote.
Comment: This missense variant replaces aspartic acid with asparagine at codon 1612 of the TSC2 protein. Computational prediction suggests that this variant may have deleterious impact on protein structure and function (internally defined REVEL score threshold >= 0.7, PMID: 27666373). To our knowledge, functional studies have not been reported for this variant. This variant has not been reported in individuals affected with TSC2-related disorders in the literature. This variant has been identified in 5/279408 chromosomes in the general population by the Genome Aggregation Database (gnomAD). The available evidence is insufficient to determine the role of this variant in disease conclusively. Therefore, this variant is classified as a Variant of Uncertain Significance.

This study involves interpretation of variants in research participants for the purpose of population health screening. Participant phenotype was not available at the time of variant classification. Additional details can be found in publication PMID: 35346344, PMCID: PMC8962531

Ambry Genetics
Classification: Likely benign for Hereditary cancer-predisposing syndrome. Last evaluated: 2022-06-24. Review status: criteria provided, single submitter. Criteria: Ambry Variant Classification Scheme 2023. Collection method: clinical testing. Allele origin: germline.

Genome-Nilou Lab
Classification: Likely benign for Tuberous sclerosis 2. Last evaluated: 2021-11-07. Review status: criteria provided, single submitter. Criteria: ACMG Guidelines, 2015. Collection method: clinical testing. Allele origin: germline. Affected: no.

Knight Diagnostic Laboratories, Oregon Health and Sciences University
Classification: Uncertain significance for Tuberous sclerosis 2. Last evaluated: 2015-09-26. Review status: no assertion criteria provided. Criteria: ACMG Guidelines, 2015. Collection method: clinical testing. Allele origin: germline. Affected: no. Study: CSER-NextGen. Not counted in ClinVar's aggregate classification.

Literature cited by the submitters: PubMed 27930734 (cited by Ambry Genetics).

NM_000548.5(TSC2):c.4834G>A (p.Asp1612Asn)

Gene: TSC2 (TSC complex subunit 2; plus strand). Cytogenetic location: 16p13.3.
Variant type: single nucleotide variant.
Coding change: c.4834G>A on transcript NM_000548.5 (MANE Select); coding-DNA position 4834, G replaced by A.
Protein change: p.Asp1612Asn; replaces aspartic acid 1612 with asparagine.
Molecular consequence: missense variant.
Genome position (GRCh38, 1-based): chr16:2,086,364, G>A. VCF-style: chr16-2086364-G-A. GRCh37 (hg19) VCF-style: chr16-2136365-G-A.
Other names: c.4633G>A, p.Asp1545Asn (NM_001077183.3); c.4765G>A, p.Asp1589Asn (NM_001114382.3); c.4525G>A, p.Asp1509Asn (NM_001318827.2); c.4489G>A, p.Asp1497Asn (NM_001318829.2); c.4102G>A, p.Asp1368Asn (NM_001318831.2); c.4666G>A, p.Asp1556Asn (NM_001318832.2); c.4636G>A, p.Asp1546Asn (NM_001363528.2); c.4702G>A, p.Asp1568Asn (NM_001370404.1); and 1 more; short protein forms D1612N, D1545N, D1509N, D1556N, D1569N, D1589N, D1368N, D1497N.
Identifiers: ClinVar variation 318332 (VCV000318332.21), dbSNP rs886051795, ClinGen allele CA10637331.